The following is an entry in ClinVar:

NM_198859.4(PRICKLE2):c.1976G>A (p.Gly659Asp)

Genes: PRICKLE2 (prickle planar cell polarity protein 2; minus strand), PRICKLE2-AS1 (PRICKLE2 antisense RNA 1; plus strand). Cytogenetic location: 3p14.1.
Variant type: single nucleotide variant.
Coding change: c.1976G>A on transcript NM_198859.4 (MANE Select); coding-DNA position 1976, G replaced by A.
Protein change: p.Gly659Asp; replaces glycine 659 with aspartic acid.
Molecular consequence: missense variant. On other transcripts: non-coding transcript variant (1).
Genome position (GRCh38, 1-based): chr3:64,099,610, C>T on the plus strand (G>A on the coding strand, the complement: PRICKLE2 is on the minus strand). VCF-style: chr3-64099610-C-T. GRCh37 (hg19) VCF-style: chr3-64085286-C-T.
Other names: c.1976G>A, p.Gly659Asp (NM_001370528.1); short protein forms G659D.
Identifiers: ClinVar variation 1505980 (VCV001505980.8), dbSNP rs2076622017, ClinGen allele CA353427147.

ClinVar aggregate classification (germline): Uncertain significance (1 of 4 stars; one submission).

Conditions:
Progressive myoclonic epilepsy type 5. Identifiers: Orphanet 402082, MedGen C5190799.

Allele frequency attached by ClinVar (database versions not stated): TOPMed 0.00001.
gnomAD v4.1: 1 of 1,613,990 alleles (0.000062%); highest among the groups gnomAD compares: Non-Finnish European, 0.000085%; no homozygotes.

Submission:

Labcorp Genetics (formerly Invitae), Labcorp
Classification: Uncertain significance for Progressive myoclonic epilepsy type 5. Last evaluated: 2022-11-08. Review status: criteria provided, single submitter. Criteria: Invitae Variant Classification Sherloc (09022015). Collection method: clinical testing. Allele origin: germline.
Comment: In summary, the available evidence is currently insufficient to determine the role of this variant in disease. Therefore, it has been classified as a Variant of Uncertain Significance. This sequence change replaces glycine, which is neutral and non-polar, with aspartic acid, which is acidic and polar, at codon 659 of the PRICKLE2 protein (p.Gly659Asp). This variant is not present in population databases (gnomAD no frequency). This variant has not been reported in the literature in individuals affected with PRICKLE2-related conditions. ClinVar contains an entry for this variant (Variation ID: 1505980). Algorithms developed to predict the effect of missense changes on protein structure and function (SIFT, PolyPhen-2, Align-GVGD) all suggest that this variant is likely to be tolerated.